The following is an entry in ClinVar:

ClinVar aggregate classification (germline): Uncertain significance. Review status: criteria provided, multiple submitters, no conflicts (2 of 4 stars). 2 submissions from 2 submitters: Uncertain significance (2). Last evaluated 2025-12-10.

Conditions:
Hereditary cancer-predisposing syndrome. Also called: Neoplastic Syndromes, Hereditary; Hereditary neoplastic syndrome; Tumor predisposition; Hereditary Cancer Syndrome. Identifiers: Orphanet 140162, MedGen C0027672, MeSH D009386, MONDO:0015356.
Tuberous sclerosis 2 (TSC2). Identifiers: Orphanet 805, MedGen C1860707, MONDO:0013199, OMIM 613254.

Allele frequency attached by ClinVar (database versions not stated): gnomAD exomes below 0.00001.
gnomAD v4.1: 1 of 1,604,746 alleles (0.000062%); highest among the groups gnomAD compares: South Asian, 0.0011%; no homozygotes.

Submissions (2):

Labcorp Genetics (formerly Invitae), Labcorp
Classification: Uncertain significance for Tuberous sclerosis 2. Last evaluated: 2025-12-10. Review status: criteria provided, single submitter. Criteria: Invitae Variant Classification Sherloc (09022015). Collection method: clinical testing. Allele origin: germline.
Comment: This sequence change replaces proline, which is neutral and non-polar, with serine, which is neutral and polar, at codon 1309 of the TSC2 protein (p.Pro1309Ser). This variant is not present in population databases (gnomAD no frequency). This variant has not been reported in the literature in individuals affected with TSC2-related conditions. ClinVar contains an entry for this variant (Variation ID: 665077). Invitae Evidence Modeling of protein sequence and biophysical properties (such as structural, functional, and spatial information, amino acid conservation, physicochemical variation, residue mobility, and thermodynamic stability) indicates that this missense variant is not expected to disrupt TSC2 protein function with a negative predictive value of 95%. In summary, the available evidence is currently insufficient to determine the role of this variant in disease. Therefore, it has been classified as a Variant of Uncertain Significance.

Ambry Genetics
Classification: Uncertain significance for Hereditary cancer-predisposing syndrome. Last evaluated: 2021-03-23. Review status: criteria provided, single submitter. Criteria: Ambry Variant Classification Scheme 2023. Collection method: clinical testing. Allele origin: germline.
Comment: The p.P1309S variant (also known as c.3925C>T), located in coding exon 32 of the TSC2 gene, results from a C to T substitution at nucleotide position 3925. The proline at codon 1309 is replaced by serine, an amino acid with similar properties. This amino acid position is poorly conserved in available vertebrate species. In addition, this alteration is predicted to be tolerated by in silico analysis. Since supporting evidence is limited at this time, the clinical significance of this alteration remains unclear.

NM_000548.5(TSC2):c.3925C>T (p.Pro1309Ser)

Gene: TSC2 (TSC complex subunit 2; plus strand). Cytogenetic location: 16p13.3.
Variant type: single nucleotide variant.
Coding change: c.3925C>T on transcript NM_000548.5 (MANE Select); coding-DNA position 3925, C replaced by T.
Protein change: p.Pro1309Ser; replaces proline 1309 with serine.
Molecular consequence: missense variant.
Genome position (GRCh38, 1-based): chr16:2,083,736, C>T. VCF-style: chr16-2083736-C-T. GRCh37 (hg19) VCF-style: chr16-2133737-C-T.
Other names: c.3724C>T, p.Pro1242Ser (NM_001077183.3); c.3856C>T, p.Pro1286Ser (NM_001114382.3); c.3616C>T, p.Pro1206Ser (NM_001318827.2); c.3580C>T, p.Pro1194Ser (NM_001318829.2); c.3193C>T, p.Pro1065Ser (NM_001318831.2); c.3757C>T, p.Pro1253Ser (NM_001318832.2); c.3727C>T, p.Pro1243Ser (NM_001363528.2); c.3793C>T, p.Pro1265Ser (NM_001370404.1); and 1 more; short protein forms P1065S, P1243S, P1265S, P1206S, P1253S, P1194S, P1286S, P1309S.
Identifiers: ClinVar variation 665077 (VCV000665077.13), dbSNP rs1049538280, ClinGen allele CA394297178.
Genomic context (GRCh38, chr16:2,083,736, plus strand): 5'-CCCGTCTGTGTCCTCCCAGACTCCGCCGTGGTCATGGAGGAGGGAAGTCCGGGCGAGGTT[C>T]CTGTGCTGGTGGAGCCCCCAGGGTTGGAGGACGTTGAGGCAGCGCTAGGCATGGACAGGC-3'
Protein context (NP_000539.2, residues 1299-1319): VMEEGSPGEV[Pro1309Ser]VLVEPPGLED